The following is an entry in ClinVar:

ClinVar aggregate classification (germline): Uncertain significance (1 of 4 stars; one submission).

Submission:

Labcorp Genetics (formerly Invitae), Labcorp
Classification: Uncertain significance. Last evaluated: 2021-08-31. Review status: criteria provided, single submitter. Criteria: Invitae Variant Classification Sherloc (09022015). Collection method: clinical testing. Allele origin: germline.
Comment: This sequence change replaces alanine with glycine at codon 1217 of the ELP1 protein (p.Ala1217Gly). The alanine residue is highly conserved and there is a small physicochemical difference between alanine and glycine. This variant is not present in population databases (ExAC no frequency). This variant has not been reported in the literature in individuals affected with ELP1-related conditions. Algorithms developed to predict the effect of missense changes on protein structure and function are either unavailable or do not agree on the potential impact of this missense change (SIFT: "Tolerated"; PolyPhen-2: "Probably Damaging"; Align-GVGD: "Class C0"). In summary, the available evidence is currently insufficient to determine the role of this variant in disease. Therefore, it has been classified as a Variant of Uncertain Significance.

NM_003640.5(ELP1):c.3650C>G (p.Ala1217Gly)

Gene: ELP1 (elongator acetyltransferase complex subunit 1; minus strand). Cytogenetic location: 9q31.3.
Variant type: single nucleotide variant.
Coding change: c.3650C>G on transcript NM_003640.5 (MANE Select); coding-DNA position 3650, C replaced by G.
Protein change: p.Ala1217Gly; replaces alanine 1217 with glycine.
Molecular consequence: missense variant.
Genome position (GRCh38, 1-based): chr9:108,878,673, G>C on the plus strand (C>G on the coding strand, the complement: ELP1 is on the minus strand). VCF-style: chr9-108878673-G-C. GRCh37 (hg19) VCF-style: chr9-111640953-G-C.
Other names: c.3308C>G, p.Ala1103Gly (NM_001318360.2); c.2603C>G, p.Ala868Gly (NM_001330749.2); short protein forms A1217G, A1103G, A868G.
Identifiers: ClinVar variation 1505890 (VCV001505890.5), dbSNP rs1827793018, ClinGen allele CA374411324.